The following is an entry in ClinVar:

ClinVar aggregate classification (germline): Likely benign (1 of 4 stars; one submission).

gnomAD v4.1: 11 of 1,614,204 alleles (0.00068%); highest among the groups gnomAD compares: Admixed American, 0.0017%; no homozygotes.

Submission:

CeGaT Center for Human Genetics Tuebingen
Classification: Likely benign. Last evaluated: 2025-09-01. Review status: criteria provided, single submitter. Criteria: CeGaT Center For Human Genetics Tuebingen Variant Classification Criteria Version 2. Collection method: clinical testing. Allele origin: germline. Affected: yes. Observed: 1 variant allele.
Comment: LAMA1: BP4, BP7

NM_005559.4(LAMA1):c.8673A>G (p.Glu2891=)

Gene: LAMA1 (laminin subunit alpha 1; minus strand). Cytogenetic location: 18p11.31.
Variant type: single nucleotide variant.
Coding change: c.8673A>G on transcript NM_005559.4 (MANE Select); coding-DNA position 8673, A replaced by G.
Protein change: p.Glu2891=; no amino-acid change (glutamic acid 2891 retained).
Molecular consequence: synonymous variant.
Genome position (GRCh38, 1-based): chr18:6,948,440, T>C on the plus strand (A>G on the coding strand, the complement: LAMA1 is on the minus strand). VCF-style: chr18-6948440-T-C. GRCh37 (hg19) VCF-style: chr18-6948439-T-C.
Identifiers: ClinVar variation 4281264 (VCV004281264.7).